The following is an entry in ClinVar:

NM_000782.5(CYP24A1):c.964G>A (p.Glu322Lys)

Gene: CYP24A1 (cytochrome P450 family 24 subfamily A member 1; minus strand). Cytogenetic location: 20q13.2.
Variant type: single nucleotide variant.
Coding change: c.964G>A on transcript NM_000782.5 (MANE Select); coding-DNA position 964, G replaced by A.
Protein change: p.Glu322Lys; replaces glutamic acid 322 with lysine.
Molecular consequence: missense variant.
Genome position (GRCh38, 1-based): chr20:54,162,743, C>T on the plus strand (G>A on the coding strand, the complement: CYP24A1 is on the minus strand). VCF-style: chr20-54162743-C-T. GRCh37 (hg19) VCF-style: chr20-52779282-C-T.
Other names: c.964G>A, p.Glu322Lys (NM_001128915.2); short protein forms E322K.
Identifiers: ClinVar variation 29681 (VCV000029681.9), dbSNP rs387907324, ClinGen allele CA130777.

ClinVar aggregate classification (germline): Pathogenic/Likely pathogenic. Review status: criteria provided, multiple submitters, no conflicts (2 of 4 stars). 5 submissions from 5 submitters: Pathogenic (3); Likely pathogenic (1). 1 of the submissions does not count toward it. Last evaluated 2025-10-03.

Conditions:
CYP24A1-related disorders.
Hypercalcemia, infantile, 1 (HCINF1). Identifiers: Orphanet 300547, MedGen CN031131, MONDO:0020739, OMIM 143880.

Allele frequency attached by ClinVar (database versions not stated): TOPMed 0.00002; gnomAD 0.00003 and 0.00004; ExAC 0.00002; gnomAD exomes 0.00002.
gnomAD v4.1: 34 of 1,602,204 alleles (0.0021%); highest among the groups gnomAD compares: Non-Finnish European, 0.0025%; no homozygotes.

Submissions (5):

Rare Kidney Stone Consortium and the Mayo Clinic Hyperoxaluria Center, Mayo Clinic
Classification: Pathogenic for Hypercalcemia, infantile, 1. Last evaluated: 2025-10-03. Review status: criteria provided, single submitter. Criteria: ACMG Guidelines, 2015. Collection method: research. Allele origin: germline. Affected: yes. Observed: 1 variant allele.

Labcorp Genetics (formerly Invitae), Labcorp
Classification: Pathogenic. Last evaluated: 2025-07-10. Review status: criteria provided, single submitter. Criteria: Invitae Variant Classification Sherloc (09022015). Collection method: clinical testing. Allele origin: germline.
Comment: This sequence change replaces glutamic acid, which is acidic and polar, with lysine, which is basic and polar, at codon 322 of the CYP24A1 protein (p.Glu322Lys). This variant is present in population databases (rs387907324, gnomAD 0.007%). This missense change has been observed in individual(s) with clinical features of CYP24A1-related conditions (PMID: 21675912, 28470390, 33099630, 34307984, 34662328). In at least one individual the data is consistent with being in trans (on the opposite chromosome) from a pathogenic variant. ClinVar contains an entry for this variant (Variation ID: 29681). Invitae Evidence Modeling of protein sequence and biophysical properties (such as structural, functional, and spatial information, amino acid conservation, physicochemical variation, residue mobility, and thermodynamic stability) indicates that this missense variant is expected to disrupt CYP24A1 protein function with a positive predictive value of 95%. Experimental studies have shown that this missense change affects CYP24A1 function (PMID: 21675912). For these reasons, this variant has been classified as Pathogenic.

Fulgent Genetics
Classification: Likely pathogenic for Hypercalcemia, infantile, 1. Last evaluated: 2024-02-14. Review status: criteria provided, single submitter. Criteria: ACMG Guidelines, 2015. Collection method: clinical testing. Allele origin: germline.

Blueprint Genetics
Classification: Pathogenic for CYP24A1-related disorders. Last evaluated: 2020-10-23. Review status: criteria provided, single submitter. Criteria: ACMG Guidelines, 2015. Collection method: clinical testing. Allele origin: germline. Affected: yes. Observed: 3 variant alleles.

OMIM
Classification: Pathogenic for HYPERCALCEMIA, INFANTILE, 1. Last evaluated: 2011-11-03. Review status: no assertion criteria provided. Collection method: literature only. Allele origin: germline. Not counted in ClinVar's aggregate classification.

Literature cited by the submitters: PubMed 40794449 (cited by Rare Kidney Stone Consortium and the Mayo Clinic Hyperoxaluria Center, Mayo Clinic); PubMed 21675912 (cited by Labcorp Genetics (formerly Invitae), Labcorp and OMIM); PubMed 28470390 (cited by Labcorp Genetics (formerly Invitae), Labcorp); PubMed 33099630 (cited by Labcorp Genetics (formerly Invitae), Labcorp); PubMed 34307984 (cited by Labcorp Genetics (formerly Invitae), Labcorp); PubMed 34662328 (cited by Labcorp Genetics (formerly Invitae), Labcorp); PubMed 22047571 (cited by OMIM); Schlingmann, K. P., Jones, G., Konrad, M. Reply to Streeten et al. and Ji and Shen. (Letter) New Eng. J. Med. 365: 1742-1743, 2011. (cited by OMIM).